The following is an entry in ClinVar:

ClinVar aggregate classification (germline): Pathogenic/Likely pathogenic. Review status: criteria provided, multiple submitters, no conflicts (2 of 4 stars). 2 submissions from 2 submitters: Pathogenic (1); Likely pathogenic (1). Last evaluated 2022-02-14.

Conditions:
CEP164-related disorder. Also called: CEP164-related condition.
Nephronophthisis 15 (NPHP15). Identifiers: Orphanet 3156, MedGen C3541853, MONDO:0013917, OMIM 614845.

Allele frequency attached by ClinVar (database versions not stated): ExAC 0.00001; gnomAD exomes 0.00001; TOPMed 0.00001; gnomAD 0.00002.

Submissions (2):

Labcorp Genetics (formerly Invitae), Labcorp
Classification: Pathogenic for Nephronophthisis 15. Last evaluated: 2022-02-14. Review status: criteria provided, single submitter. Criteria: Invitae Variant Classification Sherloc (09022015). Collection method: clinical testing. Allele origin: germline.
Comment: For these reasons, this variant has been classified as Pathogenic. This variant has not been reported in the literature in individuals affected with CEP164-related conditions. This variant is present in population databases (rs780373529, gnomAD 0.01%). This sequence change creates a premature translational stop signal (p.Gln607*) in the CEP164 gene. It is expected to result in an absent or disrupted protein product. Loss-of-function variants in CEP164 are known to be pathogenic (PMID: 22863007, 28125082, 32367404, 34132027, 34499853).

Blueprint Genetics
Classification: Likely pathogenic for CEP164-related disorders. Last evaluated: 2021-11-24. Review status: criteria provided, single submitter. Criteria: ACMG Guidelines, 2015. Collection method: clinical testing. Allele origin: germline. Affected: yes. Observed: 1 variant allele.

Literature cited by the submitters: PubMed 22863007 (cited by Labcorp Genetics (formerly Invitae), Labcorp); PubMed 28125082 (cited by Labcorp Genetics (formerly Invitae), Labcorp); PubMed 32367404 (cited by Labcorp Genetics (formerly Invitae), Labcorp); PubMed 34132027 (cited by Labcorp Genetics (formerly Invitae), Labcorp); PubMed 34499853 (cited by Labcorp Genetics (formerly Invitae), Labcorp).

NM_014956.5(CEP164):c.1819C>T (p.Gln607Ter)

Gene: CEP164 (centrosomal protein 164; plus strand). Cytogenetic location: 11q23.3.
Variant type: single nucleotide variant.
Coding change: c.1819C>T on transcript NM_014956.5 (MANE Select); coding-DNA position 1819, C replaced by T.
Protein change: p.Gln607Ter; replaces glutamine 607 with a stop codon.
Molecular consequence: nonsense.
Genome position (GRCh38, 1-based): chr11:117,387,297, C>T. VCF-style: chr11-117387297-C-T. GRCh37 (hg19) VCF-style: chr11-117258013-C-T.
Other names: c.1828C>T, p.Gln610Ter (NM_001271933.2); short protein forms Q607*, Q610*.
Identifiers: ClinVar variation 2078300 (VCV002078300.5), dbSNP rs780373529, ClinGen allele CA6294873.